The following is an entry in ClinVar:

ClinVar aggregate classification (germline): Uncertain significance (1 of 4 stars; one submission).

Submission:

Labcorp Genetics (formerly Invitae), Labcorp
Classification: Uncertain significance. Last evaluated: 2025-03-17. Review status: criteria provided, single submitter. Criteria: Invitae Variant Classification Sherloc (09022015). Collection method: clinical testing. Allele origin: germline.
Comment: This sequence change falls in intron 3 of the CDH23 gene. It does not directly change the encoded amino acid sequence of the CDH23 protein. It affects a nucleotide within the consensus splice site. This variant is not present in population databases (gnomAD no frequency). This variant has been observed in individual(s) with Usher syndrome (PMID: 25468891). ClinVar contains an entry for this variant (Variation ID: 958527). Variants that disrupt the consensus splice site are a relatively common cause of aberrant splicing (PMID: 17576681, 9536098). Algorithms developed to predict the effect of sequence changes on RNA splicing suggest that this variant may create or strengthen a splice site. In summary, the available evidence is currently insufficient to determine the role of this variant in disease. Therefore, it has been classified as a Variant of Uncertain Significance.

Literature cited by the submitters: PubMed 25468891; PubMed 17576681; PubMed 9536098.

NM_022124.6(CDH23):c.145+6T>G

Gene: CDH23 (cadherin related 23; plus strand). Cytogenetic location: 10q22.1.
Variant type: single nucleotide variant.
Coding change: c.145+6T>G on transcript NM_022124.6 (MANE Select); 6 bases into the intron after coding-DNA position 145, T replaced by G.
Molecular consequence: intron variant.
Genome position (GRCh38, 1-based): chr10:71,446,401, T>G. VCF-style: chr10-71446401-T-G. GRCh37 (hg19) VCF-style: chr10-73206158-T-G.
Other names: c.145+6T>G (NM_001171930.2, NM_001171931.2, NM_052836.4 and 1 more transcripts).
Identifiers: ClinVar variation 958527 (VCV000958527.9), dbSNP rs372660833, ClinGen allele CA1139661494.